The following is an entry in ClinVar:

NM_001184.4(ATR):c.2445T>A (p.Asp815Glu)

Gene: ATR (ATR serine/threonine kinase; minus strand). Cytogenetic location: 3q23.
Variant type: single nucleotide variant.
Coding change: c.2445T>A on transcript NM_001184.4 (MANE Select); coding-DNA position 2445, T replaced by A.
Protein change: p.Asp815Glu; replaces aspartic acid 815 with glutamic acid.
Molecular consequence: missense variant.
Genome position (GRCh38, 1-based): chr3:142,553,912, A>T on the plus strand (T>A on the coding strand, the complement: ATR is on the minus strand). VCF-style: chr3-142553912-A-T. GRCh37 (hg19) VCF-style: chr3-142272754-A-T.
Other names: c.2253T>A, p.Asp751Glu (NM_001354579.2); short protein forms D751E, D815E.
Identifiers: ClinVar variation 3462342 (VCV003462342.1).
Genomic context (GRCh38, chr3:142,553,912, plus strand): 5'-CAAGGATTCCAATATGTGCTTGATATTTCCACTAAAAGCCACTCTAACATCTTTGTCTGG[A>T]TCTTCCATTAAATTTAATAAAGTTCCAAGAACTGCTTTTACATCTGTTTCATCTTCTCTA-3'
Protein context (NP_001175.2, residues 805-825): VLGTLLNLME[Asp815Glu]PDKDVRVAFS

ClinVar aggregate classification (germline): Uncertain significance (1 of 4 stars; one submission).

Conditions:
Inborn genetic diseases. Identifiers: MedGen C0950123, MeSH D030342.

Submission:

Ambry Genetics
Classification: Uncertain significance for Inborn genetic diseases. Last evaluated: 2024-06-30. Review status: criteria provided, single submitter. Criteria: Ambry Variant Classification Scheme 2023. Collection method: clinical testing. Allele origin: germline.
Comment: The p.D815E variant (also known as c.2445T>A), located in coding exon 11 of the ATR gene, results from a T to A substitution at nucleotide position 2445. The aspartic acid at codon 815 is replaced by glutamic acid, an amino acid with highly similar properties. This amino acid position is conserved. In addition, this alteration is predicted to be deleterious by in silico analysis. Based on the available evidence, the clinical significance of this variant remains unclear.